The following is an entry in ClinVar:

NM_020975.6(RET):c.1030G>A (p.Gly344Ser)

Gene: RET (ret proto-oncogene; plus strand). Cytogenetic location: 10q11.21.
Variant type: single nucleotide variant.
Coding change: c.1030G>A on transcript NM_020975.6 (MANE Select); coding-DNA position 1030, G replaced by A.
Protein change: p.Gly344Ser; replaces glycine 344 with serine.
Molecular consequence: missense variant.
Genome position (GRCh38, 1-based): chr10:43,106,538, G>A. VCF-style: chr10-43106538-G-A. GRCh37 (hg19) VCF-style: chr10-43601986-G-A.
Other names: c.1030G>A, p.Gly344Ser (NM_020629.2, NM_020630.7, NM_000323.2 and 6 more transcripts); c.268G>A, p.Gly90Ser (NM_001355216.2); c.901G>A, p.Gly301Ser (NM_001406761.1, NM_001406762.1, NM_001406764.1 and 1 more transcripts); c.742G>A, p.Gly248Ser (NM_001406766.1, NM_001406767.1, NM_001406770.1); short protein forms G344S, G90S, G248S, G301S.
Identifiers: ClinVar variation 838975 (VCV000838975.17), dbSNP rs749883001, ClinGen allele CA030779.

ClinVar aggregate classification (germline): Uncertain significance. Review status: criteria provided, multiple submitters, no conflicts (2 of 4 stars). 5 submissions from 5 submitters: Uncertain significance (5). Last evaluated 2025-05-01.

Conditions:
Hereditary cancer-predisposing syndrome. Also called: Hereditary Cancer Syndrome; Neoplastic Syndromes, Hereditary; Hereditary neoplastic syndrome; Tumor predisposition. Identifiers: Orphanet 140162, MedGen C0027672, MeSH D009386, MONDO:0015356.
Hirschsprung disease, susceptibility to, 1 (HSCR1). Also called: RET-Related Hirschsprung Disease. Identifiers: Orphanet 388, MedGen C3888239, MONDO:0007723, OMIM 142623.
Multiple endocrine neoplasia, type 2 (MEN2). Identifiers: Orphanet 653, MedGen C4048306, MONDO:0019003. Disease mechanism: gain of function.

Allele frequency attached by ClinVar (database versions not stated): gnomAD exomes below 0.00001; TOPMed below 0.00001; ExAC 0.00001; gnomAD 0.00001.

Submissions (5):

Ambry Genetics
Classification: Uncertain significance for Hereditary cancer-predisposing syndrome. Last evaluated: 2025-05-01. Review status: criteria provided, single submitter. Criteria: Ambry Variant Classification Scheme 2023. Collection method: clinical testing. Allele origin: germline.
Comment: The p.G344S variant (also known as c.1030G>A), located in coding exon 5 of the RET gene, results from a G to A substitution at nucleotide position 1030. The glycine at codon 344 is replaced by serine, an amino acid with similar properties. This alteration was identified in 1 individual in a cohort of individuals diagnosed with short-segment Hirschsprung disease and 0 controls (Tang CS et al. Gastroenterology, 2018 12;155:1908-1922.e5). This amino acid position is not well conserved in available vertebrate species. In addition, this alteration is predicted to be tolerated by in silico analysis. Based on the available evidence, the clinical significance of this variant remains unclear.

Quest Diagnostics Nichols Institute San Juan Capistrano
Classification: Uncertain significance. Last evaluated: 2025-04-17. Review status: criteria provided, single submitter. Criteria: Quest Diagnostics criteria. Collection method: clinical testing. Allele origin: unknown.

Labcorp Genetics (formerly Invitae), Labcorp
Classification: Uncertain significance for Multiple endocrine neoplasia, type 2. Last evaluated: 2025-01-29. Review status: criteria provided, single submitter. Criteria: Invitae Variant Classification Sherloc (09022015). Collection method: clinical testing. Allele origin: germline.
Comment: This sequence change replaces glycine, which is neutral and non-polar, with serine, which is neutral and polar, at codon 344 of the RET protein (p.Gly344Ser). This variant is present in population databases (rs749883001, gnomAD 0.0009%). This missense change has been observed in individual(s) with sporadic Hirschsprung disease (PMID: 30217742). ClinVar contains an entry for this variant (Variation ID: 838975). An algorithm developed to predict the effect of missense changes on protein structure and function (PolyPhen-2) suggests that this variant is likely to be tolerated. In summary, the available evidence is currently insufficient to determine the role of this variant in disease. Therefore, it has been classified as a Variant of Uncertain Significance.

Blueprint Genetics
Classification: Uncertain significance. Last evaluated: 2023-10-30. Review status: criteria provided, single submitter. Criteria: ACMG Guidelines, 2015. Collection method: clinical testing. Allele origin: germline.

Baylor Genetics
Classification: Uncertain significance for Hirschsprung disease, susceptibility to, 1. Last evaluated: 2023-09-26. Review status: criteria provided, single submitter. Criteria: ACMG Guidelines, 2015. Collection method: clinical testing. Allele origin: unknown.

Literature cited by the submitters: PubMed 30217742 (cited by Ambry Genetics and Labcorp Genetics (formerly Invitae), Labcorp).